The following is an entry in ClinVar:

NM_000287.4(PEX6):c.379C>G (p.Arg127Gly)

Gene: PEX6 (peroxisomal biogenesis factor 6; minus strand). Cytogenetic location: 6p21.1.
Variant type: single nucleotide variant.
Coding change: c.379C>G on transcript NM_000287.4 (MANE Select); coding-DNA position 379, C replaced by G.
Protein change: p.Arg127Gly; replaces arginine 127 with glycine.
Molecular consequence: missense variant. On other transcripts: non-coding transcript variant (1).
Genome position (GRCh38, 1-based): chr6:42,978,772, G>C on the plus strand (C>G on the coding strand, the complement: PEX6 is on the minus strand). VCF-style: chr6-42978772-G-C. GRCh37 (hg19) VCF-style: chr6-42946510-G-C.
Other names: c.379C>G, p.Arg127Gly (NM_001316313.2); short protein forms R127G.
Identifiers: ClinVar variation 5002301 (VCV005002301.1).

ClinVar aggregate classification (germline): Uncertain significance (1 of 4 stars; one submission).

Conditions:
PEX6-related disorder. Also called: PEX6-related disorders; PEX6-related condition.

gnomAD v4.1: 1 of 1,534,600 alleles (0.000065%); highest among the groups gnomAD compares: African/African-American, 0.0014%; no homozygotes.

Submission:

PreventionGenetics, part of Exact Sciences
Classification: Uncertain significance for PEX6-related condition. Last evaluated: 2025-01-23. Review status: criteria provided, single submitter. Criteria: ACMG Guidelines, 2015. Collection method: clinical testing. Allele origin: germline.
Comment: The PEX6 c.379C>G variant is predicted to result in the amino acid substitution p.Arg127Gly. To our knowledge, this variant has not been reported in the literature or in a large population database (gnomAD), indicating this variant is rare. At this time, the clinical significance of this variant is uncertain due to the absence of conclusive functional and genetic evidence.